The following is an entry in ClinVar:

NM_025136.4(OPA3):c.*3531G>T

Genes: OPA3-RTN2 (OPA3-RTN2 readthrough; minus strand), OPA3 (outer mitochondrial membrane lipid metabolism regulator OPA3; minus strand). Cytogenetic location: 19q13.32.
Variant type: single nucleotide variant.
Coding change: c.*3531G>T on transcript NM_025136.4 (MANE Select); 3531 bases downstream of the stop codon, G replaced by T.
Molecular consequence: 3 prime UTR variant. On other transcripts: intron variant (1).
Genome position (GRCh38, 1-based): chr19:45,549,983, C>A on the plus strand (G>T on the coding strand, the complement: OPA3 is on the minus strand). VCF-style: chr19-45549983-C-A. GRCh37 (hg19) VCF-style: chr19-46053241-C-A.
Other names: c.143-20527G>T (NM_001017989.3).
Identifiers: ClinVar variation 329622 (VCV000329622.6), dbSNP rs112899014, ClinGen allele CA10652122.
Genomic context (GRCh38, chr19:45,549,983, plus strand): 5'-CGAGGCGGGCGGATTACCTGAGGTCAGGAGTTCAAGATCAGCCTGGGCAACTTGGAGAAA[C>A]CCCGTCTCCACTAAAATACAAAAATTAGCCAGGCGTGGGTGGTGGGCACATGTAATCCCA-3'

ClinVar aggregate classification (germline): Benign. Review status: criteria provided, multiple submitters, no conflicts (2 of 4 stars). 3 submissions from 2 submitters: Benign (3). Last evaluated 2018-01-12.

Conditions:
3-Methylglutaconic aciduria type 3 (MGCA3). Also called: OPA3, AUTOSOMAL RECESSIVE; OPTIC ATROPHY 3, AUTOSOMAL RECESSIVE; Costeff Syndrome; OPA3-Related 3-Methylglutaconic Aciduria. Identifiers: Orphanet 67047, MedGen C0574084, MONDO:0009787, OMIM 258501.
Optic atrophy 3 (OPA3). Also called: OPTIC ATROPHY 3, AUTOSOMAL DOMINANT; Optic atrophy, cataract, and neurologic disorder; Optic atrophy 3 with cataract. Identifiers: Orphanet 67036, MedGen C1833809, MONDO:0008133, OMIM 165300.

Allele frequency attached by ClinVar (database versions not stated): gnomAD exomes 0.00356; gnomAD 0.05069 and 0.05413; TOPMed 0.05678; 1000 Genomes Project 0.06110; 1000 Genomes Project 30x 0.06215.
gnomAD v4.1: 9,474 of 650,302 alleles (1.5%); highest among the groups gnomAD compares: African/African-American, 17%; 780 homozygotes.

Submissions (3):

Illumina Laboratory Services, Illumina
Classification: Benign for Optic atrophy 3. Last evaluated: 2018-01-12. Review status: criteria provided, single submitter. Criteria: ICSL Variant Classification Criteria 13 December 2019. Collection method: clinical testing. Allele origin: germline.
Comment: This variant was observed in the ICSL laboratory as part of a predisposition screen in an ostensibly healthy population. It had not been previously curated by ICSL or reported in the Human Gene Mutation Database (HGMD: prior to June 1st, 2018), and was therefore a candidate for classification through an automated scoring system. Utilizing variant allele frequency, disease prevalence and penetrance estimates, and inheritance mode, an automated score was calculated to assess if this variant is too frequent to cause the disease. Based on the score and internal cut-off values, a variant classified as benign is not then subjected to further curation. The score for this variant resulted in a classification of benign for this disease.

Illumina Laboratory Services, Illumina
Classification: Benign for 3-Methylglutaconic aciduria type 3. Last evaluated: 2018-01-12. Review status: criteria provided, single submitter. Criteria: ICSL Variant Classification Criteria 13 December 2019. Collection method: clinical testing. Allele origin: germline.
Comment: the same text as in the submission from Illumina Laboratory Services, Illumina above.

Breakthrough Genomics
Classification: Benign. Review status: criteria provided, single submitter. Criteria: ACMG Guidelines, 2015. Collection method: not provided. Allele origin: germline. Inheritance: Autosomal recessive inheritance. Affected: yes.